The following is an entry in ClinVar:

ClinVar aggregate classification (germline): Uncertain significance (1 of 4 stars; one submission).

Submission:

Ambry Genetics
Classification: Uncertain significance. Last evaluated: 2024-06-15. Review status: criteria provided, single submitter. Criteria: Ambry Variant Classification Scheme 2023. Collection method: clinical testing. Allele origin: germline.
Comment: The p.Y2412H variant (also known as c.7234T>C), located in coding exon 26 of the POLQ gene, results from a T to C substitution at nucleotide position 7234. The tyrosine at codon 2412 is replaced by histidine, an amino acid with similar properties. This amino acid position is conserved. In addition, this alteration is predicted to be deleterious by in silico analysis. Based on the available evidence, the clinical significance of this variant remains unclear.

NM_199420.4(POLQ):c.7234T>C (p.Tyr2412His)

Gene: POLQ (DNA polymerase theta; minus strand). Cytogenetic location: 3q13.33.
Variant type: single nucleotide variant.
Coding change: c.7234T>C on transcript NM_199420.4 (MANE Select); coding-DNA position 7234, T replaced by C.
Protein change: p.Tyr2412His; replaces tyrosine 2412 with histidine.
Molecular consequence: missense variant.
Genome position (GRCh38, 1-based): chr3:121,449,345, A>G on the plus strand (T>C on the coding strand, the complement: POLQ is on the minus strand). VCF-style: chr3-121449345-A-G. GRCh37 (hg19) VCF-style: chr3-121168192-A-G.
Other names: short protein forms Y2412H.
Identifiers: ClinVar variation 3308733 (VCV003308733.1).